The following is an entry in ClinVar:

NM_000262.3(NAGA):c.759+1_759+8del

Gene: NAGA (alpha-N-acetylgalactosaminidase; minus strand). Cytogenetic location: 22q13.2.
Variant type: Deletion.
Coding change: c.759+1_759+8del on transcript NM_000262.3 (MANE Select); the canonical splice donor site of the intron after coding-DNA position 759 through 8 bases into the intron after coding-DNA position 759, 8 bases deleted (GTACCAGG; older notation c.759+1_759+8delGTACCAGG).
Molecular consequence: splice donor variant.
Genome position (GRCh38, 1-based): chr22:42,065,730-42,065,737, CCTGGTAC deleted on the plus strand (GTACCAGG on the coding strand, the reverse complement: NAGA is on the minus strand); deleting any 8 consecutive bases within chr22:42,065,730-42,065,738 gives the same sequence; the c. name uses the placement nearest the transcript's 3' end. VCF-style (leftmost placement, unchanged base first): chr22-42065729-TCCTGGTAC-T. GRCh37 (hg19) VCF-style: chr22-42461733-TCCTGGTAC-T.
Other names: NC_000022.10:g.42461735_42461742del; c.759_759+7del (NM_000262.3); c.759+1_759+8del (NM_001362850.1, NM_001362848.1).
Identifiers: ClinVar variation 932122 (VCV000932122.11), dbSNP rs768761898, ClinGen allele CA10263713.

ClinVar aggregate classification (germline): Pathogenic/Likely pathogenic. Review status: criteria provided, multiple submitters, no conflicts (2 of 4 stars). 4 submissions from 4 submitters: Pathogenic (1); Likely pathogenic (3). Last evaluated 2025-12-28.

Conditions:
Alpha-N-acetylgalactosaminidase deficiency type 1. Also called: SCHINDLER DISEASE, TYPE I; ALPHA-N-ACETYLGALACTOSAMINIDASE DEFICIENCY, TYPE I; NAGA DEFICIENCY, TYPE I; NEUROAXONAL DYSTROPHY, SCHINDLER TYPE. Identifiers: Orphanet 3137, Orphanet 79279, Orphanet 79281, MedGen C1836544, MONDO:0012221, OMIM 609241.
Alpha-N-acetylgalactosaminidase deficiency type 2. Also called: SCHINDLER DISEASE, TYPE II; ALPHA-N-ACETYLGALACTOSAMINIDASE DEFICIENCY, TYPE II; NAGA DEFICIENCY, TYPE II. Identifiers: Orphanet 3137, Orphanet 79280, MedGen C1836522, MONDO:0012222, OMIM 609242.
NAGA-related disorder. Also called: NAGA-related disorders; NAGA-related condition. Identifiers: MedGen CN378768.

Submissions (5):

Labcorp Genetics (formerly Invitae), Labcorp
Classification: Likely pathogenic for Alpha-N-acetylgalactosaminidase deficiency type 1. Last evaluated: 2025-12-28. Review status: criteria provided, single submitter. Criteria: Invitae Variant Classification Sherloc (09022015). Collection method: clinical testing. Allele origin: germline.
Comment: This sequence change affects a splice site in intron 6 of the NAGA gene. It is expected to disrupt RNA splicing. Variants that disrupt the donor or acceptor splice site typically lead to a loss of protein function (PMID: 16199547), and loss-of-function variants in NAGA are known to be pathogenic (PMID: 8782044, 11251574). This variant is present in population databases (rs768761898, gnomAD 0.005%). This variant has not been reported in the literature in individuals affected with NAGA-related conditions. ClinVar contains an entry for this variant (Variation ID: 932122). Algorithms developed to predict the effect of sequence changes on RNA splicing suggest that this variant may disrupt the consensus splice site. In summary, the currently available evidence indicates that the variant is pathogenic, but additional data are needed to prove that conclusively. Therefore, this variant has been classified as Likely Pathogenic.

3billion
Classification: Pathogenic for NAGA-related disorder. Last evaluated: 2025-10-14. Review status: criteria provided, single submitter. Criteria: ACMG Guidelines, 2015. Collection method: clinical testing. Allele origin: germline. Affected: yes.
Comment: The variant is observed at an extremely low frequency in the gnomAD v4.1.0 dataset (total allele frequency: 0.002%). Predicted Consequence/Location: Canonical splice site: predicted to alter splicing and result in a loss or disruption of normal protein function. Multiple pathogenic loss-of-function variants are reported downstream of the variant. In silico tools predict the variant to alter splicing and produce an abnormal transcript [SpliceAI: 0.94 (spliceogenicity >=0.2, non-spliceogenicity <0.1)]. The variant has been reported at least twice as pathogenic without evidence for the classification (ClinVar ID: VCV000932122). Therefore, this variant is classified as Pathogenic according to the recommendation of ACMG/AMP guideline.

Fulgent Genetics
Classification: Likely pathogenic for Alpha-N-acetylgalactosaminidase deficiency type 1; Alpha-N-acetylgalactosaminidase deficiency type 2. Last evaluated: 2022-03-30. Review status: criteria provided, single submitter. Criteria: ACMG Guidelines, 2015. Collection method: clinical testing. Allele origin: unknown.

Centre for Mendelian Genomics, University Medical Centre Ljubljana
Classification: Likely pathogenic for Alpha-N-acetylgalactosaminidase deficiency type 2. Last evaluated: 2019-10-27. Review status: criteria provided, single submitter. Criteria: ACMG Guidelines, 2015. Collection method: clinical testing. Allele origin: unknown. Affected: yes.
Comment: This variant was classified as: Likely pathogenic. The following ACMG criteria were applied in classifying this variant: PVS1,PM2.

Dr. Peter K. Rogan Lab, Western University
No classification provided (evidence only). Condition: Malignant tumor of esophagus. Review status: no classification provided. Collection method: in vitro. Allele origin: not applicable. Functional consequence: skipped exon. Not counted in ClinVar's aggregate classification.

Literature cited by the submitters: PubMed 16199547 (cited by Labcorp Genetics (formerly Invitae), Labcorp); PubMed 8782044 (cited by Labcorp Genetics (formerly Invitae), Labcorp); PubMed 11251574 (cited by Labcorp Genetics (formerly Invitae), Labcorp).